The following is an entry in ClinVar:

NM_002444.3(MSN):c.586C>T (p.Gln196Ter)

Gene: MSN (moesin; plus strand). Cytogenetic location: Xq12.
Variant type: single nucleotide variant.
Coding change: c.586C>T on transcript NM_002444.3 (MANE Select); coding-DNA position 586, C replaced by T.
Protein change: p.Gln196Ter; replaces glutamine 196 with a stop codon.
Molecular consequence: nonsense.
Genome position (GRCh38, 1-based): chrX:65,731,872, C>T. VCF-style: chrX-65731872-C-T. GRCh37 (hg19) VCF-style: chrX-64951734-C-T.
Other names: short protein forms Q196*.
Identifiers: ClinVar variation 2036029 (VCV002036029.4), dbSNP rs2523006110, ClinGen allele CA413416129.
Genomic context (GRCh38, chrX:65,731,872, plus strand): 5'-GTGACCCCCAACTCTGTGTCATTTAGGGAGGATGCTGTCCTGGAATATCTGAAGATTGCT[C>T]AAGATCTGGAGATGTATGGTGTGAACTACTTCAGCATCAAGAACAAGAAAGGCTCAGAGC-3'

ClinVar aggregate classification (germline): Pathogenic (1 of 4 stars; one submission).

Submission:

Labcorp Genetics (formerly Invitae), Labcorp
Classification: Pathogenic. Last evaluated: 2024-05-20. Review status: criteria provided, single submitter. Criteria: Invitae Variant Classification Sherloc (09022015). Collection method: clinical testing. Allele origin: germline.
Comment: This sequence change creates a premature translational stop signal (p.Gln196*) in the MSN gene. It is expected to result in an absent or disrupted protein product. Loss-of-function variants in MSN are known to be pathogenic (PMID: 27405666). This variant is not present in population databases (gnomAD no frequency). This variant has not been reported in the literature in individuals affected with MSN-related conditions. ClinVar contains an entry for this variant (Variation ID: 2036029). For these reasons, this variant has been classified as Pathogenic.

Literature cited by the submitters: PubMed 27405666.